The following is an entry in ClinVar:

NM_001371623.1(TCOF1):c.4226T>C (p.Leu1409Pro)

Gene: TCOF1 (treacle ribosome biogenesis factor 1; plus strand). Cytogenetic location: 5q32.
Variant type: single nucleotide variant.
Coding change: c.4226T>C on transcript NM_001371623.1 (MANE Select); coding-DNA position 4226, T replaced by C.
Protein change: p.Leu1409Pro; replaces leucine 1409 with proline.
Molecular consequence: missense variant.
Genome position (GRCh38, 1-based): chr5:150,396,723, T>C. VCF-style: chr5-150396723-T-C. GRCh37 (hg19) VCF-style: chr5-149776286-T-C.
Other names: c.3992T>C, p.Leu1331Pro (NM_000356.4, NM_001437406.1); c.4223T>C, p.Leu1408Pro (NM_001135243.2); c.4112T>C, p.Leu1371Pro (NM_001135244.2); c.3995T>C, p.Leu1332Pro (NM_001135245.2); c.4109T>C, p.Leu1370Pro (NM_001195141.2); short protein forms L1370P, L1408P, L1331P, L1371P, L1332P, L1409P.
Identifiers: ClinVar variation 4720492 (VCV004720492.1).

ClinVar aggregate classification (germline): Uncertain significance (1 of 4 stars; one submission).

Conditions:
Treacher Collins syndrome 1 (TCS1). Also called: TCOF1-Related Treacher Collins Syndrome. Identifiers: Orphanet 861, MedGen CN315775, MONDO:0007944, OMIM 154500.

gnomAD v4.1: 1 of 1,612,626 alleles (0.000062%); highest among the groups gnomAD compares: African/African-American, 0.0013%; no homozygotes.

Submission:

Labcorp Genetics (formerly Invitae), Labcorp
Classification: Uncertain significance for Treacher Collins syndrome 1. Last evaluated: 2025-05-30. Review status: criteria provided, single submitter. Criteria: Invitae Variant Classification Sherloc (09022015). Collection method: clinical testing. Allele origin: germline.
Comment: This sequence change replaces leucine, which is neutral and non-polar, with proline, which is neutral and non-polar, at codon 1408 of the TCOF1 protein (p.Leu1408Pro). This variant is not present in population databases (gnomAD no frequency). This variant has not been reported in the literature in individuals affected with TCOF1-related conditions. An algorithm developed to predict the effect of missense changes on protein structure and function outputs the following: PolyPhen-2: "Benign". The proline amino acid residue is found in multiple mammalian species, which suggests that this missense change does not adversely affect protein function. In summary, the available evidence is currently insufficient to determine the role of this variant in disease. Therefore, it has been classified as a Variant of Uncertain Significance.